The following is an entry in ClinVar:

ClinVar aggregate classification (germline): Uncertain significance (1 of 4 stars; one submission).

Submission:

GeneDx
Classification: Uncertain significance. Last evaluated: 2021-06-18. Review status: criteria provided, single submitter. Criteria: GeneDx Variant Classification Process June 2021. Collection method: clinical testing. Allele origin: germline. Affected: yes.
Comment: Not observed at significant frequency in large population cohorts (Lek et al., 2016); In silico analysis supports that this missense variant does not alter protein structure/function; Has not been previously published as pathogenic or benign to our knowledge; This variant is associated with the following publications: (PMID: 27535533)

NM_001321075.3(DLG4):c.464C>T (p.Ala155Val)

Gene: DLG4 (discs large MAGUK scaffold protein 4; minus strand). Cytogenetic location: 17p13.1.
Variant type: single nucleotide variant.
Coding change: c.464C>T on transcript NM_001321075.3 (MANE Select); coding-DNA position 464, C replaced by T.
Protein change: p.Ala155Val; replaces alanine 155 with valine.
Molecular consequence: missense variant. On other transcripts: non-coding transcript variant (1).
Genome position (GRCh38, 1-based): chr17:7,203,465, G>A on the plus strand (C>T on the coding strand, the complement: DLG4 is on the minus strand). VCF-style: chr17-7203465-G-A. GRCh37 (hg19) VCF-style: chr17-7106784-G-A.
Other names: c.455C>T, p.Ala152Val (NM_001128827.4); c.584C>T, p.Ala195Val (NM_001321074.1); c.284C>T, p.Ala95Val (NM_001321076.3, NM_001321077.3); c.593C>T, p.Ala198Val (NM_001365.5); c.383C>T, p.Ala128Val (NM_001369566.3); short protein forms A128V, A152V, A155V, A195V, A198V, A95V.
Identifiers: ClinVar variation 1328826 (VCV001328826.2), dbSNP rs2142885359, ClinGen allele CA397719222.